The following is an entry in ClinVar:

ClinVar aggregate classification (germline): Likely benign (1 of 4 stars; one submission).

Allele frequency attached by ClinVar (database versions not stated): gnomAD exomes 0.00006; ExAC 0.00021; gnomAD 0.00049; 1000 Genomes Project 0.00060; TOPMed 0.00060; 1000 Genomes Project 30x 0.00062; ESP Exome Variant Server 0.00077.
gnomAD v4.1: 173 of 1,613,974 alleles (0.011%); highest among the groups gnomAD compares: African/African-American, 0.16%; no homozygotes.

Submission:

CeGaT Center for Human Genetics Tuebingen
Classification: Likely benign. Last evaluated: 2022-09-01. Review status: criteria provided, single submitter. Criteria: CeGaT Center For Human Genetics Tuebingen Variant Classification Criteria Version 2. Collection method: clinical testing. Allele origin: germline. Affected: yes. Observed: 1 variant allele.
Comment: POLN: BP4

NM_181808.4(POLN):c.2048C>T (p.Ala683Val)

Gene: POLN (DNA polymerase nu; minus strand). Cytogenetic location: 4p16.3.
Variant type: single nucleotide variant.
Coding change: c.2048C>T on transcript NM_181808.4 (MANE Select); coding-DNA position 2048, C replaced by T.
Protein change: p.Ala683Val; replaces alanine 683 with valine.
Molecular consequence: missense variant.
Genome position (GRCh38, 1-based): chr4:2,095,868, G>A on the plus strand (C>T on the coding strand, the complement: POLN is on the minus strand). VCF-style: chr4-2095868-G-A. GRCh37 (hg19) VCF-style: chr4-2097595-G-A.
Other names: short protein forms A683V.
Identifiers: ClinVar variation 2654587 (VCV002654587.24), dbSNP rs150460252, ClinGen allele CA2814332.